The following is an entry in ClinVar:

NM_001369369.1(FOXN1):c.740G>T (p.Gly247Val)

Gene: FOXN1 (forkhead box N1; plus strand). Cytogenetic location: 17q11.2.
Variant type: single nucleotide variant.
Coding change: c.740G>T on transcript NM_001369369.1 (MANE Select); coding-DNA position 740, G replaced by T.
Protein change: p.Gly247Val; replaces glycine 247 with valine.
Molecular consequence: missense variant.
Genome position (GRCh38, 1-based): chr17:28,529,134, G>T. VCF-style: chr17-28529134-G-T. GRCh37 (hg19) VCF-style: chr17-26856152-G-T.
Other names: c.740G>T, p.Gly247Val (NM_003593.3); short protein forms G247V.
Identifiers: ClinVar variation 1516308 (VCV001516308.8), dbSNP rs2151491911, ClinGen allele CA398323050.

ClinVar aggregate classification (germline): Uncertain significance (1 of 4 stars; one submission).

Conditions:
T-cell immunodeficiency, congenital alopecia, and nail dystrophy. Also called: Congenital alopecia and nail dystrophy associated with severe functional T-cell immunodeficiency; Pignata Guarino syndrome. Identifiers: Orphanet 169095, MedGen C1866426, MONDO:0011132, OMIM 601705.

Submission:

Labcorp Genetics (formerly Invitae), Labcorp
Classification: Uncertain significance for T-cell immunodeficiency, congenital alopecia, and nail dystrophy. Last evaluated: 2024-02-23. Review status: criteria provided, single submitter. Criteria: Invitae Variant Classification Sherloc (09022015). Collection method: clinical testing. Allele origin: germline.
Comment: This sequence change replaces glycine, which is neutral and non-polar, with valine, which is neutral and non-polar, at codon 247 of the FOXN1 protein (p.Gly247Val). This variant is not present in population databases (gnomAD no frequency). This variant has not been reported in the literature in individuals affected with FOXN1-related conditions. ClinVar contains an entry for this variant (Variation ID: 1516308). Advanced modeling of protein sequence and biophysical properties (such as structural, functional, and spatial information, amino acid conservation, physicochemical variation, residue mobility, and thermodynamic stability) performed at Invitae indicates that this missense variant is not expected to disrupt FOXN1 protein function with a negative predictive value of 80%. In summary, the available evidence is currently insufficient to determine the role of this variant in disease. Therefore, it has been classified as a Variant of Uncertain Significance.